The following is an entry in ClinVar:

NM_000138.5(FBN1):c.661T>C (p.Cys221Arg)

Gene: FBN1 (fibrillin 1; minus strand). Cytogenetic location: 15q21.1.
Variant type: single nucleotide variant.
Coding change: c.661T>C on transcript NM_000138.5 (MANE Select); coding-DNA position 661, T replaced by C.
Protein change: p.Cys221Arg; replaces cysteine 221 with arginine.
Molecular consequence: missense variant.
Genome position (GRCh38, 1-based): chr15:48,537,686, A>G on the plus strand (T>C on the coding strand, the complement: FBN1 is on the minus strand). VCF-style: chr15-48537686-A-G. GRCh37 (hg19) VCF-style: chr15-48829883-A-G.
Other names: c.661T>C, p.Cys221Arg (NM_001406716.1, NM_001406717.1); short protein forms C221R.
Identifiers: ClinVar variation 3362265 (VCV003362265.3).
Genomic context (GRCh38, chr15:48,537,686, plus strand): 5'-TGCGGATATTTGGAATGAAGCCACGGCGGCAGGGGTGAGGCTGGGCAGGACACATCTCAC[A>G]GGGGTGGCCCCAGGCTCGGCCGACTGTGGCACAGCAGAGCGTTTTTGTGCAGACAATCCC-3'
Protein context (NP_000129.3, residues 211-231): ATVGRAWGHP[Cys221Arg]EMCPAQPHPC

ClinVar aggregate classification (germline): Uncertain significance (1 of 4 stars; one submission).

Conditions:
Ectopia lentis 1, isolated, autosomal dominant (ECTOL1). Identifiers: Orphanet 1885, MedGen C3541518, MONDO:0007514, OMIM 129600.

Submission:

Neuberg Centre For Genomic Medicine, NCGM
Classification: Uncertain significance for Ectopia lentis 1, isolated, autosomal dominant. Last evaluated: 2023-06-02. Review status: criteria provided, single submitter. Criteria: ACMG Guidelines, 2015. Collection method: clinical testing. Allele origin: germline. Inheritance: Autosomal dominant inheritance. Affected: yes.
Comment: The observed missense variant c.661T>C(p.Cys221Arg) in the FBN1 gene has not been reported previously as a pathogenic variant nor as a benign variant, to our knowledge. This variant is absent in the gnomAD Exomes. The amino acid Cysteine at position 221 is changed to a Arginine changing protein sequence and it might alter its composition and physico-chemical properties. Multiple lines of computational evidence (SIFT - Damaging and MutationTaster - Disease causing) predict a damaging effect on protein structure and function for this variant. The residue is conserved by GERP++ and PhyloP across 100 vertebrates. For these reasons, this variant has been classified as Uncertain Significance.